The following is an entry in ClinVar:

ClinVar aggregate classification (germline): Uncertain significance. Review status: criteria provided, multiple submitters, no conflicts (2 of 4 stars). 2 submissions from 2 submitters: Uncertain significance (2). Last evaluated 2025-06-19.

Conditions:
Primary ciliary dyskinesia. Also called: Ciliary dyskinesia. Identifiers: Orphanet 244, MedGen C0008780, MONDO:0016575, HP:0012265.

Allele frequency attached by ClinVar (database versions not stated): gnomAD exomes below 0.00001; ExAC 0.00001; gnomAD 0.00001.
gnomAD v4.1: 7 of 1,613,250 alleles (0.00043%); highest among the groups gnomAD compares: Non-Finnish European, 0.00059%; no homozygotes.

Submissions (2):

Ambry Genetics
Classification: Uncertain significance for Primary ciliary dyskinesia. Last evaluated: 2025-06-19. Review status: criteria provided, single submitter. Criteria: Ambry Variant Classification Scheme 2023. Collection method: clinical testing. Allele origin: germline.

GeneDx
Classification: Uncertain significance. Last evaluated: 2025-04-17. Review status: criteria provided, single submitter. Criteria: GeneDx Variant Classification Process June 2021. Collection method: clinical testing. Allele origin: germline. Affected: yes.
Comment: Not observed at significant frequency in large population cohorts (gnomAD); In silico analysis supports that this missense variant has a deleterious effect on protein structure/function; Has not been previously published as pathogenic or benign to our knowledge

NM_017950.4(CCDC40):c.3229G>A (p.Ala1077Thr)

Gene: CCDC40 (coiled-coil domain 40 molecular ruler complex subunit; plus strand). Cytogenetic location: 17q25.3.
Variant type: single nucleotide variant.
Coding change: c.3229G>A on transcript NM_017950.4 (MANE Select); coding-DNA position 3229, G replaced by A.
Protein change: p.Ala1077Thr; replaces alanine 1077 with threonine.
Molecular consequence: missense variant.
Genome position (GRCh38, 1-based): chr17:80,099,575, G>A. VCF-style: chr17-80099575-G-A. GRCh37 (hg19) VCF-style: chr17-78073374-G-A.
Other names: short protein forms A1077T.
Identifiers: ClinVar variation 2504255 (VCV002504255.3), dbSNP rs201877332, ClinGen allele CA8814675.